The following is an entry in ClinVar:

ClinVar aggregate classification (germline): Uncertain significance. Review status: criteria provided, multiple submitters, no conflicts (2 of 4 stars). 12 submissions from 12 submitters: Uncertain significance (10). 2 of the submissions do not count toward it. Last evaluated 2025-10-23.

Conditions:
CFTR-related disorder (CFTR-RD). Also called: CFTR-related condition; CFTR-related disorders. Identifiers: MedGen C5924204, MONDO:7770004.
Hereditary pancreatitis (PCTT). Also called: Hereditary chronic pancreatitis; PRSS1-Related Hereditary Pancreatitis. Identifiers: Orphanet 676, MedGen C0238339, MONDO:0008185, OMIM 167800.
Bronchiectasis with or without elevated sweat chloride 1 (BESC1). Also called: Cystic Fibrosis-Like Syndrome. Identifiers: Orphanet 60033, MedGen C2749757, MONDO:0008887, OMIM 211400.
Congenital bilateral aplasia of vas deferens from CFTR mutation (CBAVD). Identifiers: Orphanet 48, MedGen C0403814, MONDO:0010178, OMIM 277180. Disease mechanism: loss of function.
Cystic fibrosis (CF). Also called: MUCOVISCIDOSIS. Identifiers: Orphanet 586, MedGen C0010674, MONDO:0009061, OMIM 219700. Disease mechanism: loss of function.

Allele frequency attached by ClinVar (database versions not stated): gnomAD exomes 0.00001 and 0.00002; TOPMed 0.00003; 1000 Genomes Project 0.00020; gnomAD 0.00001; ExAC 0.00002; 1000 Genomes Project 30x 0.00031.
gnomAD v4.1: 17 of 1,607,338 alleles (0.0011%); highest among the groups gnomAD compares: Admixed American, 0.0083%; no homozygotes.

Submissions (12):

PreventionGenetics, part of Exact Sciences
Classification: Uncertain significance for CFTR-related condition. Last evaluated: 2025-10-23. Review status: criteria provided, single submitter. Criteria: ACMG Guidelines, 2015. Collection method: clinical testing. Allele origin: germline.
Comment: The CFTR c.1601C>A variant is predicted to result in the amino acid substitution p.Ala534Glu. This variant has been reported in individuals with cystic fibrosis (Audrezet et al. 1993. PubMed ID: 7683952; Rueda-Nieto et al. 2022. PubMed ID: 35698092). Functional analysis determined the c.1601C>A (p.Ala534Glu) variant demonstrates reduced protein activity equal to ~14% of wild-type activity (Bihler et al. 2024. PubMed ID: 38388235) This variant is reported in 0.0058% of alleles in individuals of Latino descent in gnomAD. At this time, the clinical significance of this variant is uncertain due to the absence of conclusive functional and genetic evidence.

Women's Health and Genetics/Laboratory Corporation of America, LabCorp
Classification: Uncertain significance. Last evaluated: 2025-08-18. Review status: criteria provided, single submitter. Criteria: LabCorp Variant Classification Summary - May 2015. Collection method: clinical testing. Allele origin: germline.
Comment: Variant summary: CFTR c.1601C>A (p.Ala534Glu) results in a non-conservative amino acid change located in the ABC transporter-like, ATP-binding domain (IPR003439) of the encoded protein sequence. Algorithms developed to predict the effect of missense changes on protein structure and function are either unavailable or do not agree on the potential impact of this missense change. The variant allele was found at a frequency of 1.6e-05 in 250864 control chromosomes (gnomAD). c.1601C>A has been observed in the compound heterozygous state in an individual affected with Cystic Fibrosis (CF) and also in at least one other individual with CF where zygosity was not specified (e.g. Audrezet_1993, Rueda-Nieto_2022). These data do not allow any conclusion about variant significance. At least one publication reports experimental evidence evaluating an impact on protein function. The most pronounced variant effect resulted in approximately 14% of normal chloride channel conductance relative to wild type (Bihler_2024). The following publications have been ascertained in the context of this evaluation (PMID: 7683952, 35698092, 38388235). ClinVar contains an entry for this variant (Variation ID: 7173). Based on the evidence outlined above, the variant was classified as VUS-possibly pathogenic.

Ambry Genetics
Classification: Uncertain significance for Cystic fibrosis. Last evaluated: 2025-06-27. Review status: criteria provided, single submitter. Criteria: Ambry Variant Classification Scheme 2023. Collection method: clinical testing. Allele origin: germline.
Comment: The p.A534E variant (also known as c.1601C>A), located in coding exon 12 of the CFTR gene, results from a C to A substitution at nucleotide position 1601. The alanine at codon 534 is replaced by glutamic acid, an amino acid with dissimilar properties. This alteration was identified in an individual with a clinical diagnosis of cystic fibrosis however no further details were provided (Rueda-Nieto S et al. Orphanet J Rare Dis, 2022 06;17:222). In an assay testing CFTR function, this variant showed a functionally abnormal result (Bihler H et al. J Cyst Fibros, 2024 Jul;23:664-675). This amino acid position is not well conserved in available vertebrate species. In addition, this alteration is predicted to be deleterious by in silico analysis. Based on the available evidence, the clinical significance of this variant remains unclear.

GeneDx
Classification: Uncertain significance. Last evaluated: 2025-05-06. Review status: criteria provided, single submitter. Criteria: GeneDx Variant Classification Process June 2021. Collection method: clinical testing. Allele origin: germline. Affected: yes.
Comment: Functional studies demonstrate a significant damaging effect on chloride channel activity but not as severe as CF-causing variants. CFTR-mediated bicarbonate transport was not measured. (PMID: 38388235); Identified in an individual with cystic fibrosis, but in whom a second CFTR variant was either not detected or not specified (PMID: 7683952); In silico analysis suggests that this missense variant does not alter protein structure/function; This variant is associated with the following publications: (PMID: 15024729, 38388235, 33672345, 7683952, 35698092)

Labcorp Genetics (formerly Invitae), Labcorp
Classification: Uncertain significance for Cystic fibrosis. Last evaluated: 2024-12-20. Review status: criteria provided, single submitter. Criteria: Invitae Variant Classification Sherloc (09022015). Collection method: clinical testing. Allele origin: germline.
Comment: This sequence change replaces alanine, which is neutral and non-polar, with glutamic acid, which is acidic and polar, at codon 534 of the CFTR protein (p.Ala534Glu). This variant is present in population databases (rs387906368, gnomAD 0.006%). This missense change has been observed in individual(s) with clinical features of cystic fibrosis (PMID: 35698092). ClinVar contains an entry for this variant (Variation ID: 7173). Invitae Evidence Modeling of protein sequence and biophysical properties (such as structural, functional, and spatial information, amino acid conservation, physicochemical variation, residue mobility, and thermodynamic stability) indicates that this missense variant is not expected to disrupt CFTR protein function with a negative predictive value of 80%. In summary, the available evidence is currently insufficient to determine the role of this variant in disease. Therefore, it has been classified as a Variant of Uncertain Significance.

Department of Pathology and Laboratory Medicine, Sinai Health System
Classification: Uncertain significance for cystic fibrosis. Last evaluated: 2022-05-06. Review status: criteria provided, single submitter. Criteria: ACMG Guidelines, 2015. Collection method: research. Allele origin: germline.

Fulgent Genetics
Classification: Uncertain significance for Hereditary pancreatitis; Bronchiectasis with or without elevated sweat chloride 1; Cystic fibrosis; Congenital bilateral aplasia of vas deferens from CFTR mutation. Last evaluated: 2022-03-06. Review status: criteria provided, single submitter. Criteria: ACMG Guidelines, 2015. Collection method: clinical testing. Allele origin: unknown.

Genome-Nilou Lab
Classification: Uncertain significance for Cystic fibrosis. Last evaluated: 2021-09-05. Review status: criteria provided, single submitter. Criteria: ACMG Guidelines, 2015. Collection method: clinical testing. Allele origin: germline. Affected: no.

Mayo Clinic Laboratories, Mayo Clinic
Classification: Uncertain significance. Last evaluated: 2021-01-27. Review status: criteria provided, single submitter. Criteria: ACMG Guidelines, 2015. Collection method: clinical testing. Allele origin: germline. Observed: 1 variant allele.

ARUP Laboratories, Molecular Genetics and Genomics, ARUP Laboratories
Classification: Uncertain significance. Last evaluated: 2017-08-01. Review status: criteria provided, single submitter. Criteria: ARUP Molecular Germline Variant Investigation Process. Collection method: clinical testing. Allele origin: germline.

Natera, Inc.
Classification: Uncertain significance for CFTR-related disorders. Last evaluated: 2018-09-28. Review status: no assertion criteria provided. Collection method: clinical testing. Allele origin: germline. Not counted in ClinVar's aggregate classification.

OMIM
Classification: Pathogenic for CYSTIC FIBROSIS. Last evaluated: 2018-04-09. Review status: no assertion criteria provided. Collection method: literature only. Allele origin: germline. Not counted in ClinVar's aggregate classification.

Literature cited by the submitters: PubMed 7683952 (cited by Women's Health and Genetics/Laboratory Corporation of America, LabCorp); PubMed 35698092 (cited by 3 submitters); PubMed 38388235 (cited by Women's Health and Genetics/Laboratory Corporation of America, LabCorp and Ambry Genetics); PubMed 15024729 (cited by OMIM).

NM_000492.4(CFTR):c.1601C>A (p.Ala534Glu)

Genes: CFTR (CF transmembrane conductance regulator; plus strand), LOC111674475 (CFTR intron 11 enhancer; plus strand). Cytogenetic location: 7q31.2.
Variant type: single nucleotide variant.
Coding change: c.1601C>A on transcript NM_000492.4 (MANE Select); coding-DNA position 1601, C replaced by A.
Protein change: p.Ala534Glu; replaces alanine 534 with glutamic acid.
Molecular consequence: missense variant.
Genome position (GRCh38, 1-based): chr7:117,587,755, C>A. VCF-style: chr7-117587755-C-A. GRCh37 (hg19) VCF-style: chr7-117227809-C-A.
Other names: A534E.
Identifiers: ClinVar variation 7173 (VCV000007173.28), dbSNP rs387906368, ClinGen allele CA325564.